The following is an entry in ClinVar:

NM_006269.2(RP1):c.365G>C (p.Arg122Pro)

Gene: RP1 (RP1 axonemal microtubule associated; plus strand). Cytogenetic location: 8q12.1.
Variant type: single nucleotide variant.
Coding change: c.365G>C on transcript NM_006269.2 (MANE Select); coding-DNA position 365, G replaced by C.
Protein change: p.Arg122Pro; replaces arginine 122 with proline.
Molecular consequence: missense variant.
Genome position (GRCh38, 1-based): chr8:54,621,331, G>C. VCF-style: chr8-54621331-G-C. GRCh37 (hg19) VCF-style: chr8-55533891-G-C.
Other names: c.365G>C, p.Arg122Pro (NM_001375654.1); c.365G>C (NM_006269.1); short protein forms R122P.
Identifiers: ClinVar variation 3017836 (VCV003017836.5), dbSNP rs747854154, ClinGen allele CA4751126.

ClinVar aggregate classification (germline): Uncertain significance. Review status: criteria provided, multiple submitters, no conflicts (2 of 4 stars). 3 submissions from 3 submitters: Uncertain significance (3). Last evaluated 2026-08-19.

Conditions:
RP1-related disorder. Also called: RP1-related condition.

Allele frequency attached by ClinVar (database versions not stated): ExAC 0.00001; gnomAD 0.00001.
gnomAD v4.1: 97 of 1,611,724 alleles (0.006%); highest among the groups gnomAD compares: Non-Finnish European, 0.008%; no homozygotes.

Submissions (3):

PreventionGenetics, part of Exact Sciences
Classification: Uncertain significance for RP1-related condition. Last evaluated: 2026-08-19. Review status: criteria provided, single submitter. Criteria: ACMG Guidelines, 2015. Collection method: clinical testing. Allele origin: germline.
Comment: The RP1 c.365G>C variant is predicted to result in the amino acid substitution p.Arg122Pro. To our knowledge, this variant has not been reported in the literature. This variant is present in 0.0040% of alleles in individuals of European (Non-Finnish) descent in gnomAD. At this time, the clinical significance of this variant is uncertain due to the absence of conclusive functional and genetic evidence.

Labcorp Genetics (formerly Invitae), Labcorp
Classification: Uncertain significance. Last evaluated: 2023-11-04. Review status: criteria provided, single submitter. Criteria: Invitae Variant Classification Sherloc (09022015). Collection method: clinical testing. Allele origin: germline.
Comment: This sequence change replaces arginine, which is basic and polar, with proline, which is neutral and non-polar, at codon 122 of the RP1 protein (p.Arg122Pro). This variant is present in population databases (rs747854154, gnomAD 0.004%). This variant has not been reported in the literature in individuals affected with RP1-related conditions. An algorithm developed to predict the effect of missense changes on protein structure and function (PolyPhen-2) suggests that this variant is likely to be disruptive. In summary, the available evidence is currently insufficient to determine the role of this variant in disease. Therefore, it has been classified as a Variant of Uncertain Significance.

Blueprint Genetics
Classification: Uncertain significance. Last evaluated: 2023-09-21. Review status: criteria provided, single submitter. Criteria: ACMG Guidelines, 2015. Collection method: clinical testing. Allele origin: germline.